The following is an entry in ClinVar:

ClinVar aggregate classification (germline): Uncertain significance (1 of 4 stars; one submission).

Conditions:
Hereditary cancer-predisposing syndrome. Also called: Neoplastic Syndromes, Hereditary; Tumor predisposition; Hereditary Cancer Syndrome; Hereditary neoplastic syndrome. Identifiers: Orphanet 140162, MedGen C0027672, MeSH D009386, MONDO:0015356.

Submission:

Ambry Genetics
Classification: Uncertain significance for Hereditary cancer-predisposing syndrome. Last evaluated: 2025-11-10. Review status: criteria provided, single submitter. Criteria: Ambry Variant Classification Scheme 2023. Collection method: clinical testing. Allele origin: germline.
Comment: The p.I398N variant (also known as c.1193T>A), located in coding exon 9 of the POLD1 gene, results from a T to A substitution at nucleotide position 1193. The isoleucine at codon 398 is replaced by asparagine, an amino acid with dissimilar properties. This amino acid position is conserved. In addition, the in silico prediction for this alteration is inconclusive. Based on the available evidence, the clinical significance of this variant remains unclear.

NM_002691.4(POLD1):c.1193T>A (p.Ile398Asn)

Gene: POLD1 (DNA polymerase delta 1, catalytic subunit; plus strand). Cytogenetic location: 19q13.33.
Variant type: single nucleotide variant.
Coding change: c.1193T>A on transcript NM_002691.4 (MANE Select); coding-DNA position 1193, T replaced by A.
Protein change: p.Ile398Asn; replaces isoleucine 398 with asparagine.
Molecular consequence: missense variant. On other transcripts: non-coding transcript variant (1).
Genome position (GRCh38, 1-based): chr19:50,403,548, T>A. VCF-style: chr19-50403548-T-A. GRCh37 (hg19) VCF-style: chr19-50906805-T-A.
Other names: c.1193T>A, p.Ile398Asn (NM_001256849.1, NM_001308632.1, NM_001438210.1 and 3 more transcripts); short protein forms I398N.
Identifiers: ClinVar variation 4669280 (VCV004669280.1).